The following is an entry in ClinVar:

ClinVar aggregate classification (germline): Uncertain significance (1 of 4 stars; one submission).

Submission:

Labcorp Genetics (formerly Invitae), Labcorp
Classification: Uncertain significance. Last evaluated: 2025-04-02. Review status: criteria provided, single submitter. Criteria: Invitae Variant Classification Sherloc (09022015). Collection method: clinical testing. Allele origin: germline.
Comment: This sequence change falls in intron 5 of the GRIA3 gene. It does not directly change the encoded amino acid sequence of the GRIA3 protein. It affects a nucleotide within the consensus splice site. This variant is not present in population databases (gnomAD no frequency). This variant has not been reported in the literature in individuals affected with GRIA3-related conditions. Variants that disrupt the consensus splice site are a relatively common cause of aberrant splicing (PMID: 17576681, 9536098). Algorithms developed to predict the effect of sequence changes on RNA splicing suggest that this variant is not likely to affect RNA splicing. In summary, the available evidence is currently insufficient to determine the role of this variant in disease. Therefore, it has been classified as a Variant of Uncertain Significance.

Literature cited by the submitters: PubMed 17576681; PubMed 9536098.

NM_007325.5(GRIA3):c.751-3C>T

Gene: GRIA3 (glutamate ionotropic receptor AMPA type subunit 3; plus strand). Cytogenetic location: Xq25.
Variant type: single nucleotide variant.
Coding change: c.751-3C>T on transcript NM_007325.5 (MANE Select); 3 bases into the intron before coding-DNA position 751, C replaced by T.
Molecular consequence: intron variant.
Genome position (GRCh38, 1-based): chrX:123,394,965, C>T. VCF-style: chrX-123394965-C-T. GRCh37 (hg19) VCF-style: chrX-122528816-C-T.
Other names: c.751-3C>T (NM_000828.5).
Identifiers: ClinVar variation 4745029 (VCV004745029.1).